The following is an entry in ClinVar:

NM_021098.3(CACNA1H):c.179C>T (p.Ala60Val)

Gene: CACNA1H (calcium voltage-gated channel subunit alpha1 H; plus strand). Cytogenetic location: 16p13.3.
Variant type: single nucleotide variant.
Coding change: c.179C>T on transcript NM_021098.3 (MANE Select); coding-DNA position 179, C replaced by T.
Protein change: p.Ala60Val; replaces alanine 60 with valine.
Molecular consequence: missense variant.
Genome position (GRCh38, 1-based): chr16:1,153,916, C>T. VCF-style: chr16-1153916-C-T. GRCh37 (hg19) VCF-style: chr16-1203916-C-T.
Other names: c.179C>T, p.Ala60Val (NM_001005407.2); short protein forms A60V.
Identifiers: ClinVar variation 2930326 (VCV002930326.3), dbSNP rs1961915043, ClinGen allele CA394145771.
Genomic context (GRCh38, chr16:1,153,916, plus strand): 5'-CGGAGCGGGGGTCCGAGCTCGGCGTGTCACCCTCCGAGAGCCCGGCGGCCGAGCGCGGCG[C>T]GGAGCTGGGTGCCGACGAGGAGCAGCGCGTCCCGTACCCGGCCTTGGCGGCCACGGTCTT-3'
Protein context (NP_066921.2, residues 50-70): PSESPAAERG[Ala60Val]ELGADEEQRV

ClinVar aggregate classification (germline): Uncertain significance (1 of 4 stars; one submission).

Conditions:
Idiopathic generalized epilepsy. Also called: EIG; Generalised epilepsy. Identifiers: MedGen C0270850, MONDO:0005579, OMIM 600669.
Hyperaldosteronism, familial, type IV (HALD4). Also called: FH IV; ALDOSTERONISM, PRIMARY, AND HYPERTENSION. Identifiers: Orphanet 642671, MedGen C4310756, MONDO:0014875, OMIM 617027.

Allele frequency attached by ClinVar (database versions not stated): TOPMed below 0.00001.

Submission:

Labcorp Genetics (formerly Invitae), Labcorp
Classification: Uncertain significance for Idiopathic generalized epilepsy; Hyperaldosteronism, familial, type IV. Last evaluated: 2023-06-22. Review status: criteria provided, single submitter. Criteria: Invitae Variant Classification Sherloc (09022015). Collection method: clinical testing. Allele origin: germline.
Comment: This variant is not present in population databases (gnomAD no frequency). This variant has not been reported in the literature in individuals affected with CACNA1H-related conditions. Advanced modeling of protein sequence and biophysical properties (such as structural, functional, and spatial information, amino acid conservation, physicochemical variation, residue mobility, and thermodynamic stability) performed at Invitae indicates that this missense variant is not expected to disrupt CACNA1H protein function. In summary, the available evidence is currently insufficient to determine the role of this variant in disease. Therefore, it has been classified as a Variant of Uncertain Significance. This sequence change replaces alanine, which is neutral and non-polar, with valine, which is neutral and non-polar, at codon 60 of the CACNA1H protein (p.Ala60Val).